The following is an entry in ClinVar:

NM_177433.3(MAGED2):c.1277_1287del (p.Leu426fs)

Gene: MAGED2 (MAGE family member D2; plus strand). Cytogenetic location: Xp11.21.
Variant type: Deletion.
Coding change: c.1277_1287del on transcript NM_177433.3 (MANE Select); coding-DNA positions 1277 to 1287, 11 bases deleted (TGGACTATGCC).
Protein change: p.Leu426fs; shifts the reading frame from leucine 426.
Molecular consequence: frameshift variant.
Genome position (GRCh38, 1-based): chrX:54,814,666-54,814,676, TGGACTATGCC deleted; deleting any 11 consecutive bases within chrX:54,814,664-54,814,676 gives the same sequence; the c. name uses the placement nearest the transcript's 3' end. VCF-style (leftmost placement, unchanged base first): chrX-54814663-ACCTGGACTATG-A. GRCh37 (hg19) VCF-style: chrX-54841096-ACCTGGACTATG-A.
Other names: c.1277_1287del, p.Leu426fs (NM_014599.6, NM_201222.3); short protein forms L426fs.
Identifiers: ClinVar variation 4528237 (VCV004528237.1).
Genomic context (GRCh38, chrX:54,814,663, plus strand): 5'-TGCATGGGTAGGCCATGAATGGTCTTAGAAATAAAGGCTTTGAACCTCTCTTTCCAAGGT[ACCTGGACTATG>A]CCAGAGTCCCCAATAGCAATCCCCCTGAATATGAGTTCTTCTGGGGCCTGCGCTCTTACT-3'

ClinVar aggregate classification (germline): Uncertain significance (1 of 4 stars; one submission).

Submission:

GeneDx
Classification: Uncertain significance. Last evaluated: 2025-05-10. Review status: criteria provided, single submitter. Criteria: GeneDx Variant Classification Process June 2021. Collection method: clinical testing. Allele origin: germline. Affected: yes.
Comment: Frameshift variant predicted to result in protein truncation or nonsense mediated decay in a gene or region of a gene for which loss of function is not a well-established mechanism of disease; Not observed at significant frequency in large population cohorts (gnomAD); Has not been previously published as pathogenic or benign to our knowledge